The following is an entry in ClinVar:

NM_000540.3(RYR1):c.14418C>T (p.Asn4806=)

Gene: RYR1 (ryanodine receptor 1; plus strand). Cytogenetic location: 19q13.2.
Variant type: single nucleotide variant.
Coding change: c.14418C>T on transcript NM_000540.3 (MANE Select); coding-DNA position 14418, C replaced by T.
Protein change: p.Asn4806=; no amino-acid change (asparagine 4806 retained).
Molecular consequence: synonymous variant.
Genome position (GRCh38, 1-based): chr19:38,580,035, C>T. VCF-style: chr19-38580035-C-T. GRCh37 (hg19) VCF-style: chr19-39070675-C-T.
Other names: c.14403C>T, p.Asn4801= (NM_001042723.2).
Identifiers: ClinVar variation 1109822 (VCV001109822.10), dbSNP rs751271794, ClinGen allele CA061238.
Genomic context (GRCh38, chr19:38,580,035, plus strand): 5'-CCCACAGTCCTTCCTGTACCTGGGCTGGTATATGGTGATGTCCCTCTTGGGACACTACAA[C>T]AACTTCTTCTTTGCTGCCCATCTCCTGGACATCGCCATGGGGGTCAAGACGCTGCGCACC-3'
Protein context (NP_000531.2, residues 4796-4816): YMVMSLLGHY[Asn4806=]NFFFAAHLLD

ClinVar aggregate classification (germline): Likely benign. Review status: criteria provided, multiple submitters, no conflicts (2 of 4 stars). 2 submissions from 2 submitters: Likely benign (2). Last evaluated 2026-09-01.

Conditions:
RYR1-related disorder. Also called: RYR1-related condition; RYR1-related disorders. Identifiers: MedGen CN239331.

Allele frequency attached by ClinVar (database versions not stated): gnomAD exomes below 0.00001 and 0.00002; TOPMed below 0.00001; gnomAD 0.00001; ExAC 0.00002.
gnomAD v4.1: 6 of 1,614,080 alleles (0.00037%); highest among the groups gnomAD compares: Admixed American, 0.0083%; no homozygotes.

Submissions (2):

CeGaT Center for Human Genetics Tuebingen
Classification: Likely benign. Last evaluated: 2026-09-01. Review status: criteria provided, single submitter. Criteria: CeGaT Center For Human Genetics Tuebingen Variant Classification Criteria Version 2. Collection method: clinical testing. Allele origin: germline. Affected: yes. Observed: 1 variant allele.
Comment: RYR1: BP4, BP7

Labcorp Genetics (formerly Invitae), Labcorp
Classification: Likely benign for RYR1-related disorder. Last evaluated: 2023-12-17. Review status: criteria provided, single submitter. Criteria: Invitae Variant Classification Sherloc (09022015). Collection method: clinical testing. Allele origin: germline.